The following is an entry in ClinVar:

ClinVar aggregate classification (germline): Uncertain significance (1 of 4 stars; one submission).

Conditions:
Hereditary cancer-predisposing syndrome. Also called: Neoplastic Syndromes, Hereditary; Tumor predisposition; Hereditary Cancer Syndrome; Hereditary neoplastic syndrome. Identifiers: Orphanet 140162, MedGen C0027672, MeSH D009386, MONDO:0015356.

Submission:

Ambry Genetics
Classification: Uncertain significance for Hereditary cancer-predisposing syndrome. Last evaluated: 2025-10-26. Review status: criteria provided, single submitter. Criteria: Ambry Variant Classification Scheme 2023. Collection method: clinical testing. Allele origin: germline.
Comment: The p.C469F variant (also known as c.1406G>T), located in coding exon 6 of the BARD1 gene, results from a G to T substitution at nucleotide position 1406. The cysteine at codon 469 is replaced by phenylalanine, an amino acid with highly dissimilar properties. This amino acid position is conserved. In addition, this alteration is predicted to be deleterious by in silico analysis. Based on the available evidence, the clinical significance of this variant remains unclear.

NM_000465.4(BARD1):c.1406G>T (p.Cys469Phe)

Gene: BARD1 (BRCA1 associated RING domain 1; minus strand). Cytogenetic location: 2q35.
Variant type: single nucleotide variant.
Coding change: c.1406G>T on transcript NM_000465.4 (MANE Select); coding-DNA position 1406, G replaced by T.
Protein change: p.Cys469Phe; replaces cysteine 469 with phenylalanine.
Molecular consequence: missense variant. On other transcripts: non-coding transcript variant (3), intron variant (3).
Genome position (GRCh38, 1-based): chr2:214,767,644, C>A on the plus strand (G>T on the coding strand, the complement: BARD1 is on the minus strand). VCF-style: chr2-214767644-C-A. GRCh37 (hg19) VCF-style: chr2-215632368-C-A.
Other names: c.1349G>T, p.Cys450Phe (NM_001282543.2); c.159-15089G>T (NM_001282548.2); c.216-15089G>T (NM_001282545.2); c.364+24653G>T (NM_001282549.2); short protein forms C450F, C469F.
Identifiers: ClinVar variation 4621709 (VCV004621709.1).